The following is an entry in ClinVar:

ClinVar aggregate classification (germline): Likely pathogenic (1 of 4 stars; one submission).

Conditions:
Developmental and epileptic encephalopathy 94 (DEE94). Also called: CHD2-Related Neurodevelopmental Disorders; Epileptic encephalopathy, childhood-onset. Identifiers: Orphanet 1942, Orphanet 2382, MedGen C3809278, MONDO:0014150, OMIM 615369.

Submission:

Diagnostics Services (NGS), CSIR - Centre For Cellular And Molecular Biology
Classification: Likely pathogenic for Developmental and epileptic encephalopathy 94. Last evaluated: 2026-07-10. Review status: criteria provided, single submitter. Criteria: ACMG Guidelines, 2015. Collection method: clinical testing. Allele origin: germline. Affected: yes. Observed: 1 variant allele, 1 heterozygote.
Comment: The c.727_728del variant is not present in publicly available population databases like 1000 Genome, EVS, gnomAD, Indian Exome Database or in our internal database. This variant has neither been published in the literature for CHD2-related conditions nor reported to clinical databases like Human Genome Mutation database (HGMD), OMIM, or ClinVar in any affected individuals. In-silico pathogenicity prediction programs like MutationTaster2021, CADD, Franklin, Varsome etc. predicted this variant to be likely deleterious, however these predictions were not confirmed by published functional studies. This variant creates a premature translational stop codon at the 243rd amino acid position of the wild-type transcript that may either result in translation of a truncated protein or cause nonsense mediated decay of the mRNA.

NM_001271.4(CHD2):c.727_728del (p.Ser242_Asp243insTer)

Gene: CHD2 (chromodomain helicase DNA binding protein 2; plus strand). Cytogenetic location: 15q26.1.
Variant type: Deletion.
Coding change: c.727_728del on transcript NM_001271.4 (MANE Select); coding-DNA positions 727 to 728, 2 bases deleted (GA; older notation c.727_728delGA).
Protein change: p.Ser242_Asp243insTer.
Molecular consequence: nonsense.
Genome position (GRCh38, 1-based): chr15:92,941,856-92,941,857, GA deleted; deleting any 2 consecutive bases within chr15:92,941,855-92,941,857 gives the same sequence; the c. name uses the placement nearest the transcript's 3' end. VCF-style (leftmost placement, unchanged base first): chr15-92941854-CAG-C. GRCh37 (hg19) VCF-style: chr15-93485084-CAG-C.
Other names: c.727_728del, p.Ser242_Asp243insTer (NM_001042572.3).
Identifiers: ClinVar variation 4884475 (VCV004884475.1).